The following is an entry in ClinVar:

NM_000038.6(APC):c.7592C>T (p.Ser2531Phe)

Gene: APC (APC regulator of Wnt signaling pathway; plus strand). Cytogenetic location: 5q22.2.
Variant type: single nucleotide variant.
Coding change: c.7592C>T on transcript NM_000038.6 (MANE Select); coding-DNA position 7592, C replaced by T.
Protein change: p.Ser2531Phe; replaces serine 2531 with phenylalanine.
Molecular consequence: missense variant. On other transcripts: non-coding transcript variant (2).
Genome position (GRCh38, 1-based): chr5:112,843,186, C>T. VCF-style: chr5-112843186-C-T. GRCh37 (hg19) VCF-style: chr5-112178883-C-T.
Other names: c.7592C>T, p.Ser2531Phe (NM_001127510.3, NM_001354895.2, NM_001407450.1); c.7538C>T, p.Ser2513Phe (NM_001127511.3); c.7646C>T, p.Ser2549Phe (NM_001354896.2, NM_001407447.1, NM_001407448.1 and 1 more transcripts); c.7622C>T, p.Ser2541Phe (NM_001354897.2); c.7517C>T, p.Ser2506Phe (NM_001354898.2); c.7508C>T, p.Ser2503Phe (NM_001354899.2); c.7469C>T, p.Ser2490Phe (NM_001354900.2); c.7415C>T, p.Ser2472Phe (NM_001354901.2, NM_001407453.1); and 11 more; short protein forms S2402F, S2430F, S2440F, S2503F, S2506F, S2559F, S2147F, S2448F.
Identifiers: ClinVar variation 3408179 (VCV003408179.1).

ClinVar aggregate classification (germline): Uncertain significance (1 of 4 stars; one submission).

Conditions:
Hereditary cancer-predisposing syndrome. Also called: Neoplastic Syndromes, Hereditary; Tumor predisposition; Hereditary Cancer Syndrome; Hereditary neoplastic syndrome. Identifiers: Orphanet 140162, MedGen C0027672, MeSH D009386, MONDO:0015356.

Submission:

Ambry Genetics
Classification: Uncertain significance for Hereditary cancer-predisposing syndrome. Last evaluated: 2024-09-23. Review status: criteria provided, single submitter. Criteria: Ambry Variant Classification Scheme 2023. Collection method: clinical testing. Allele origin: germline.
Comment: The p.S2531F variant (also known as c.7592C>T), located in coding exon 15 of the APC gene, results from a C to T substitution at nucleotide position 7592. The serine at codon 2531 is replaced by phenylalanine, an amino acid with highly dissimilar properties. This amino acid position is conserved. In addition, in silico predictors for this gene do not accurately predict pathogenicity. Based on the available evidence, the clinical significance of this variant remains unclear.